The following is an entry in ClinVar:

NM_000169.3(GLA):c.676T>G (p.Trp226Gly)

Genes: GLA (galactosidase alpha; minus strand), RPL36A-HNRNPH2 (RPL36A-HNRNPH2 readthrough; plus strand). Cytogenetic location: Xq22.1.
Variant type: single nucleotide variant.
Coding change: c.676T>G on transcript NM_000169.3 (MANE Select); coding-DNA position 676, T replaced by G.
Protein change: p.Trp226Gly; replaces tryptophan 226 with glycine.
Molecular consequence: missense variant. On other transcripts: non-coding transcript variant (3), intron variant (2).
Genome position (GRCh38, 1-based): chrX:101,398,910, A>C on the plus strand (T>G on the coding strand, the complement: GLA is on the minus strand). VCF-style: chrX-101398910-A-C. GRCh37 (hg19) VCF-style: chrX-100653898-A-C.
Other names: c.799T>G, p.Trp267Gly (NM_001406747.1); c.676T>G, p.Trp226Gly (NM_001406748.1); c.300+3453A>C (NM_001199973.2); c.177+7088A>C (NM_001199974.2); short protein forms W226G, W267G.
Identifiers: ClinVar variation 4087465 (VCV004087465.2).
Genomic context (GRCh38, chrX:101,398,910, plus strand): 5'-TCCAGTCCAAGATACTCTTTATACTTTTCCAGGAATCATCAATGTCAGCAAAATTTCGCC[A>C]GTGATTGCAGTACTGTCGGATTTCTGTATAATTGGGCTGTGAAAACAGATATGACTCTTC-3'
Protein context (NP_000160.1, residues 216-236): YTEIRQYCNH[Trp226Gly]RNFADIDDSW

ClinVar aggregate classification (germline): Likely pathogenic (1 of 4 stars; one submission).

Conditions:
Fabry disease. Also called: ALPHA-GALACTOSIDASE A DEFICIENCY; ANDERSON-FABRY DISEASE; CERAMIDE TRIHEXOSIDASE DEFICIENCY; GLA DEFICIENCY; HEREDITARY DYSTOPIC LIPIDOSIS; Angiokeratoma corporis diffusum. Identifiers: Orphanet 324, MedGen C0002986, MONDO:0010526, OMIM 301500, HP:0001071. Disease mechanism: Fabry disease is due to inactivating mutations in the X-linked GLA gene resulting in deficiency of the enzyme Alpha Galactosidase-A., loss of function.

Submission:

Genomenon, Inc
Classification: Likely pathogenic for Fabry disease. Last evaluated: 2026-09-08. Review status: criteria provided, single submitter. Criteria: Genomenon Sequence Variant Interpretation Standards - Updated. Collection method: curation. Allele origin: germline. Affected: yes.
Comment: GLA p.Trp226Gly (c.676T>G) is a missense variant that changes the amino acid at codon 226 from Tryptophan to Glycine. This variant has been observed in at least one proband with clinical features consistent with Fabry disease (PMID:36123934;34922431). Functional or patient cell studies have been reported (PMID:36123934). This variant is located in a mutational hotspot and/or important functional domain. It is absent or not present at a significant frequency in gnomAD. In silico models predict that this variant is possibly or probably damaging. In conclusion, we classify GLA p.Trp226Gly (c.676T>G) as a likely pathogenic variant.

Literature cited by the submitters: PubMed 36123934; PubMed 34922431.